The following is an entry in ClinVar:

NM_006231.4(POLE):c.3062C>T (p.Ala1021Val)

Gene: POLE (DNA polymerase epsilon, catalytic subunit; minus strand). Cytogenetic location: 12q24.33.
Variant type: single nucleotide variant.
Coding change: c.3062C>T on transcript NM_006231.4 (MANE Select); coding-DNA position 3062, C replaced by T.
Protein change: p.Ala1021Val; replaces alanine 1021 with valine.
Molecular consequence: missense variant.
Genome position (GRCh38, 1-based): chr12:132,659,508, G>A on the plus strand (C>T on the coding strand, the complement: POLE is on the minus strand). VCF-style: chr12-132659508-G-A. GRCh37 (hg19) VCF-style: chr12-133236094-G-A.
Other names: short protein forms A1021V.
Identifiers: ClinVar variation 4844251 (VCV004844251.1).

ClinVar aggregate classification (germline): Uncertain significance (1 of 4 stars; one submission).

Conditions:
Hereditary cancer-predisposing syndrome. Also called: Neoplastic Syndromes, Hereditary; Tumor predisposition; Hereditary Cancer Syndrome; Hereditary neoplastic syndrome. Identifiers: Orphanet 140162, MedGen C0027672, MeSH D009386, MONDO:0015356.

Submission:

Ambry Genetics
Classification: Uncertain significance for Hereditary cancer-predisposing syndrome. Last evaluated: 2026-01-19. Review status: criteria provided, single submitter. Criteria: Ambry Variant Classification Scheme 2023. Collection method: clinical testing. Allele origin: germline.
Comment: The p.A1021V variant (also known as c.3062C>T), located in coding exon 26 of the POLE gene, results from a C to T substitution at nucleotide position 3062. The alanine at codon 1021 is replaced by valine, an amino acid with similar properties. This amino acid position is conserved. In addition, the in silico prediction for this alteration is inconclusive. Based on the available evidence, the clinical significance of this variant remains unclear.